The following is an entry in ClinVar:

ClinVar aggregate classification (germline): Uncertain significance. Review status: criteria provided, multiple submitters, no conflicts (2 of 4 stars). 2 submissions from 2 submitters: Uncertain significance (2). Last evaluated 2024-05-01.

Allele frequency attached by ClinVar (database versions not stated): TOPMed below 0.00001; gnomAD 0.00001.
gnomAD v4.1: 1 of 1,611,946 alleles (0.000062%); highest among the groups gnomAD compares: Non-Finnish European, 0.000085%; no homozygotes.

Submissions (2):

Labcorp Genetics (formerly Invitae), Labcorp
Classification: Uncertain significance. Last evaluated: 2024-05-01. Review status: criteria provided, single submitter. Criteria: Invitae Variant Classification Sherloc (09022015). Collection method: clinical testing. Allele origin: germline.
Comment: This sequence change replaces lysine, which is basic and polar, with arginine, which is basic and polar, at codon 472 of the USP7 protein (p.Lys472Arg). This variant is not present in population databases (gnomAD no frequency). This variant has not been reported in the literature in individuals affected with USP7-related conditions. ClinVar contains an entry for this variant (Variation ID: 1708688). Algorithms developed to predict the effect of missense changes on protein structure and function output the following: SIFT: "Not Available"; PolyPhen-2: "Benign"; Align-GVGD: "Not Available". The arginine amino acid residue is found in multiple mammalian species, which suggests that this missense change does not adversely affect protein function. In summary, the available evidence is currently insufficient to determine the role of this variant in disease. Therefore, it has been classified as a Variant of Uncertain Significance.

GeneDx
Classification: Uncertain significance. Last evaluated: 2022-04-04. Review status: criteria provided, single submitter. Criteria: GeneDx Variant Classification Process June 2021. Collection method: clinical testing. Allele origin: germline. Affected: yes.
Comment: Not observed at significant frequency in large population cohorts (gnomAD); In silico analysis supports that this missense variant does not alter protein structure/function; Has not been previously published as pathogenic or benign to our knowledge

NM_003470.3(USP7):c.1415A>G (p.Lys472Arg)

Gene: USP7 (ubiquitin specific peptidase 7; minus strand). Cytogenetic location: 16p13.2.
Variant type: single nucleotide variant.
Coding change: c.1415A>G on transcript NM_003470.3 (MANE Select); coding-DNA position 1415, A replaced by G.
Protein change: p.Lys472Arg; replaces lysine 472 with arginine.
Molecular consequence: missense variant. On other transcripts: non-coding transcript variant (1).
Genome position (GRCh38, 1-based): chr16:8,906,439, T>C on the plus strand (A>G on the coding strand, the complement: USP7 is on the minus strand). VCF-style: chr16-8906439-T-C. GRCh37 (hg19) VCF-style: chr16-9000296-T-C.
Other names: c.1367A>G, p.Lys456Arg (NM_001286457.2); c.1118A>G, p.Lys373Arg (NM_001286458.2); c.1241A>G, p.Lys414Arg (NM_001321858.2); short protein forms K373R, K414R, K456R, K472R.
Identifiers: ClinVar variation 1708688 (VCV001708688.4), dbSNP rs1386022252, ClinGen allele CA394701893.